The following is an entry in ClinVar:

NM_152703.5(SAMD9L):c.577A>G (p.Ile193Val)

Gene: SAMD9L (sterile alpha motif domain containing 9 like; minus strand). Cytogenetic location: 7q21.2.
Variant type: single nucleotide variant.
Coding change: c.577A>G on transcript NM_152703.5 (MANE Select); coding-DNA position 577, A replaced by G.
Protein change: p.Ile193Val; replaces isoleucine 193 with valine.
Molecular consequence: missense variant.
Genome position (GRCh38, 1-based): chr7:93,135,395, T>C on the plus strand (A>G on the coding strand, the complement: SAMD9L is on the minus strand). VCF-style: chr7-93135395-T-C. GRCh37 (hg19) VCF-style: chr7-92764708-T-C.
Other names: c.577A>G, p.Ile193Val (NM_001303496.3, NM_001303497.3, NM_001303498.3 and 5 more transcripts); short protein forms I193V.
Identifiers: ClinVar variation 3437173 (VCV003437173.1).

ClinVar aggregate classification (germline): Uncertain significance (1 of 4 stars; one submission).

Conditions:
Inborn genetic diseases. Identifiers: MedGen C0950123, MeSH D030342.

Submission:

Ambry Genetics
Classification: Uncertain significance for Inborn genetic diseases. Last evaluated: 2024-11-24. Review status: criteria provided, single submitter. Criteria: Ambry Variant Classification Scheme 2023. Collection method: clinical testing. Allele origin: germline.
Comment: The p.I193V variant (also known as c.577A>G), located in coding exon 1 of the SAMD9L gene, results from an A to G substitution at nucleotide position 577. The isoleucine at codon 193 is replaced by valine, an amino acid with highly similar properties. This amino acid position is conserved. In addition, this alteration is predicted to be tolerated by in silico analysis. Based on the available evidence, the clinical significance of this variant remains unclear.